The following is an entry in ClinVar:

NM_000548.5(TSC2):c.1803C>A (p.Ser601Arg)

Gene: TSC2 (TSC complex subunit 2; plus strand). Cytogenetic location: 16p13.3.
Variant type: single nucleotide variant.
Coding change: c.1803C>A on transcript NM_000548.5 (MANE Select); coding-DNA position 1803, C replaced by A.
Protein change: p.Ser601Arg; replaces serine 601 with arginine.
Molecular consequence: missense variant.
Genome position (GRCh38, 1-based): chr16:2,070,542, C>A. VCF-style: chr16-2070542-C-A. GRCh37 (hg19) VCF-style: chr16-2120543-C-A.
Other names: c.1803C>A, p.Ser601Arg (NM_001077183.3, NM_001114382.3, NM_001363528.2 and 3 more transcripts); c.1692C>A, p.Ser564Arg (NM_001318827.2); c.1656C>A, p.Ser552Arg (NM_001318829.2); c.1203C>A, p.Ser401Arg (NM_001318831.2); c.1836C>A, p.Ser612Arg (NM_001318832.2); short protein forms S564R, S601R, S401R, S552R, S612R.
Identifiers: ClinVar variation 949495 (VCV000949495.9), dbSNP rs1044401463, ClinGen allele CA394272953.

ClinVar aggregate classification (germline): Uncertain significance (1 of 4 stars; one submission).

Conditions:
Tuberous sclerosis 2 (TSC2). Identifiers: Orphanet 805, MedGen C1860707, MONDO:0013199, OMIM 613254.

Submission:

Labcorp Genetics (formerly Invitae), Labcorp
Classification: Uncertain significance for Tuberous sclerosis 2. Last evaluated: 2024-02-17. Review status: criteria provided, single submitter. Criteria: Invitae Variant Classification Sherloc (09022015). Collection method: clinical testing. Allele origin: germline.
Comment: This sequence change replaces serine, which is neutral and polar, with arginine, which is basic and polar, at codon 601 of the TSC2 protein (p.Ser601Arg). This variant is not present in population databases (gnomAD no frequency). This variant has not been reported in the literature in individuals affected with TSC2-related conditions. ClinVar contains an entry for this variant (Variation ID: 949495). Advanced modeling of protein sequence and biophysical properties (such as structural, functional, and spatial information, amino acid conservation, physicochemical variation, residue mobility, and thermodynamic stability) performed at Invitae indicates that this missense variant is not expected to disrupt TSC2 protein function with a negative predictive value of 95%. In summary, the available evidence is currently insufficient to determine the role of this variant in disease. Therefore, it has been classified as a Variant of Uncertain Significance.